The following is an entry in ClinVar:

NM_021620.4(PRDM13):c.467T>G (p.Leu156Arg)

Gene: PRDM13 (PR/SET domain 13; plus strand). Cytogenetic location: 6q16.2.
Variant type: single nucleotide variant.
Coding change: c.467T>G on transcript NM_021620.4 (MANE Select); coding-DNA position 467, T replaced by G.
Protein change: p.Leu156Arg; replaces leucine 156 with arginine.
Molecular consequence: missense variant.
Genome position (GRCh38, 1-based): chr6:99,613,102, T>G. VCF-style: chr6-99613102-T-G. GRCh37 (hg19) VCF-style: chr6-100060978-T-G.
Other names: short protein forms L156R.
Identifiers: ClinVar variation 1958915 (VCV001958915.5), dbSNP rs1770055298, ClinGen allele CA365115256.
Genomic context (GRCh38, chr6:99,613,102, plus strand): 5'-GCTACATCTGCTGGTACTGCTGGAGGACGTTTAGATACCCCAACAGCCTTAAGGCACACC[T>G]GCGTTTCCACTGCGTGTTCAGCGGCGGTGGAGGCGGCGCCTTCCTGCACCACGAACACGC-3'
Protein context (NP_067633.2, residues 146-166): FRYPNSLKAH[Leu156Arg]RFHCVFSGGG

ClinVar aggregate classification (germline): Uncertain significance (1 of 4 stars; one submission).

Allele frequency attached by ClinVar (database versions not stated): TOPMed 0.00001.
gnomAD v4.1: 1 of 1,549,836 alleles (0.000065%); no homozygotes.

Submission:

Labcorp Genetics (formerly Invitae), Labcorp
Classification: Uncertain significance. Last evaluated: 2022-02-19. Review status: criteria provided, single submitter. Criteria: Invitae Variant Classification Sherloc (09022015). Collection method: clinical testing. Allele origin: germline.
Comment: In summary, the available evidence is currently insufficient to determine the role of this variant in disease. Therefore, it has been classified as a Variant of Uncertain Significance. Algorithms developed to predict the effect of missense changes on protein structure and function (SIFT, PolyPhen-2, Align-GVGD) all suggest that this variant is likely to be disruptive. This variant has not been reported in the literature in individuals affected with PRDM13-related conditions. This variant is not present in population databases (gnomAD no frequency). This sequence change replaces leucine, which is neutral and non-polar, with arginine, which is basic and polar, at codon 156 of the PRDM13 protein (p.Leu156Arg).